The following is an entry in ClinVar:

ClinVar aggregate classification (germline): Pathogenic (1 of 4 stars; one submission).

Conditions:
Alkuraya-Kucinskas syndrome. Identifiers: Orphanet 610569, MedGen C4693347, MONDO:0060631, OMIM 617822.

gnomAD v4.1: 1 of 1,613,820 alleles (0.000062%); highest among the groups gnomAD compares: Non-Finnish European, 0.000085%; no homozygotes.

Submission:

3billion
Classification: Pathogenic for Alkuraya-Kucinskas syndrome. Last evaluated: 2025-06-19. Review status: criteria provided, single submitter. Criteria: ACMG Guidelines, 2015. Collection method: clinical testing. Allele origin: germline. Affected: yes.
Comment: The variant is observed at an extremely low frequency in the gnomAD v4.1.0 dataset (total allele frequency: <0.001%). Predicted Consequence/Location: Stop-gained (nonsense): predicted to result in a loss or disruption of normal protein function through nonsense-mediated decay (NMD) or protein truncation. Multiple pathogenic variants are reported downstream of the variant. Therefore, this variant is classified as Pathogenic according to the recommendation of ACMG/AMP guideline.

NM_001384125.1(BLTP1):c.14029C>T (p.Arg4677Ter)

Gene: BLTP1 (bridge-like lipid transfer protein family member 1; plus strand). Cytogenetic location: 4q27.
Variant type: single nucleotide variant.
Coding change: c.14029C>T on transcript NM_001384125.1 (MANE Select); coding-DNA position 14029, C replaced by T.
Protein change: p.Arg4677Ter; replaces arginine 4677 with a stop codon.
Molecular consequence: nonsense.
Genome position (GRCh38, 1-based): chr4:122,349,990, C>T. VCF-style: chr4-122349990-C-T. GRCh37 (hg19) VCF-style: chr4-123271145-C-T.
Other names: c.13765C>T, p.Arg4589Ter (NM_015312.4); short protein forms R4589*, R4677*.
Identifiers: ClinVar variation 4855866 (VCV004855866.1).